The following is an entry in ClinVar:

ClinVar aggregate classification (germline): Uncertain significance (1 of 4 stars; one submission).

Allele frequency attached by ClinVar (database versions not stated): gnomAD exomes below 0.00001; ExAC 0.00001.

Submission:

Labcorp Genetics (formerly Invitae), Labcorp
Classification: Uncertain significance. Last evaluated: 2022-07-06. Review status: criteria provided, single submitter. Criteria: Invitae Variant Classification Sherloc (09022015). Collection method: clinical testing. Allele origin: germline.
Comment: In summary, the available evidence is currently insufficient to determine the role of this variant in disease. Therefore, it has been classified as a Variant of Uncertain Significance. Advanced modeling of protein sequence and biophysical properties (such as structural, functional, and spatial information, amino acid conservation, physicochemical variation, residue mobility, and thermodynamic stability) performed at Invitae indicates that this missense variant is not expected to disrupt CPLANE1 protein function. ClinVar contains an entry for this variant (Variation ID: 1353220). This variant has not been reported in the literature in individuals affected with CPLANE1-related conditions. This variant is present in population databases (rs780129645, gnomAD 0.007%). This sequence change replaces glutamine, which is neutral and polar, with histidine, which is basic and polar, at codon 1682 of the CPLANE1 protein (p.Gln1682His).

NM_001384732.1(CPLANE1):c.5046A>T (p.Gln1682His)

Gene: CPLANE1 (ciliogenesis and planar polarity effector complex subunit 1; minus strand). Cytogenetic location: 5p13.2.
Variant type: single nucleotide variant.
Coding change: c.5046A>T on transcript NM_001384732.1 (MANE Select); coding-DNA position 5046, A replaced by T.
Protein change: p.Gln1682His; replaces glutamine 1682 with histidine.
Molecular consequence: missense variant.
Genome position (GRCh38, 1-based): chr5:37,183,135, T>A on the plus strand (A>T on the coding strand, the complement: CPLANE1 is on the minus strand). VCF-style: chr5-37183135-T-A. GRCh37 (hg19) VCF-style: chr5-37183237-T-A.
Other names: c.5046A>T, p.Gln1682His (NM_023073.4); short protein forms Q1682H.
Identifiers: ClinVar variation 1353220 (VCV001353220.8), dbSNP rs780129645, ClinGen allele CA3238610.
Genomic context (GRCh38, chr5:37,183,135, plus strand): 5'-TGATGATCTCTGGATTAGACATTTCTCTCTAGTGTCATCTTGTATTTTGTAAATTGACCT[T>A]TGTTTTAAACCAAATAATCCACTCATTCCTTCATTCTTATTGACTTCATTCGAAGGATAT-3'
Protein context (NP_001371661.1, residues 1672-1692): EGMSGLFGLK[Gln1682His]RSIYKIQDDT